The following is an entry in ClinVar:

NM_004972.4(JAK2):c.2557C>T (p.Gln853Ter)

Genes: INSL6 (insulin like 6; minus strand), JAK2 (Janus kinase 2; plus strand). Cytogenetic location: 9p24.1.
Variant type: single nucleotide variant.
Coding change: c.2557C>T on transcript NM_004972.4 (MANE Select); coding-DNA position 2557, C replaced by T.
Protein change: p.Gln853Ter; replaces glutamine 853 with a stop codon.
Molecular consequence: nonsense. On other transcripts: non-coding transcript variant (2).
Genome position (GRCh38, 1-based): chr9:5,081,847, C>T. VCF-style: chr9-5081847-C-T. GRCh37 (hg19) VCF-style: chr9-5081847-C-T.
Other names: c.2557C>T, p.Gln853Ter (NM_001322194.2, NM_001322195.2, NM_001322196.2); c.1342C>T, p.Gln448Ter (NM_001322198.2, NM_001322199.2); c.2110C>T, p.Gln704Ter (NM_001322204.2); short protein forms Q448*, Q704*, Q853*.
Identifiers: ClinVar variation 2632841 (VCV002632841.1), dbSNP rs867892582, ClinGen allele CA372828765.

ClinVar aggregate classification (germline): Uncertain significance (1 of 4 stars; one submission).

Conditions:
JAK2-related disorder. Also called: JAK2-related condition.

gnomAD v4.1: 1 of 1,613,010 alleles (0.000062%); no homozygotes.

Submission:

PreventionGenetics, part of Exact Sciences
Classification: Uncertain significance for JAK2-related condition. Last evaluated: 2023-06-02. Review status: criteria provided, single submitter. Criteria: ACMG Guidelines, 2015. Collection method: clinical testing. Allele origin: germline.
Comment: The JAK2 c.2557C>T variant is predicted to result in premature protein termination (p.Gln853*). To our knowledge, this variant has not been reported in the literature or in a large population database, indicating this variant is rare. At this time, the clinical significance of this variant is uncertain due to the absence of conclusive functional and genetic evidence.